The following is an entry in ClinVar:

ClinVar aggregate classification (germline): Likely benign (0 of 4 stars; one submission).

Conditions:
SASS6-related disorder. Also called: SASS6-related condition.

Allele frequency attached by ClinVar (database versions not stated): ExAC 0.00002; ESP Exome Variant Server 0.00008.
gnomAD v4.1: 43 of 1,607,196 alleles (0.0027%); highest among the groups gnomAD compares: African/African-American, 0.011%; no homozygotes.

Submission:

PreventionGenetics, part of Exact Sciences
Classification: Likely benign for SASS6-related condition. Last evaluated: 2019-07-24. Review status: no assertion criteria provided. Collection method: clinical testing. Allele origin: germline.
Comment: This variant is classified as likely benign based on ACMG/AMP sequence variant interpretation guidelines (Richards et al. 2015 PMID: 25741868, with internal and published modifications).

NM_194292.3(SASS6):c.795C>T (p.Thr265=)

Gene: SASS6 (SAS-6 centriolar assembly protein; minus strand). Cytogenetic location: 1p21.2.
Variant type: single nucleotide variant.
Coding change: c.795C>T on transcript NM_194292.3 (MANE Select); coding-DNA position 795, C replaced by T.
Protein change: p.Thr265=; no amino-acid change (threonine 265 retained).
Molecular consequence: synonymous variant.
Genome position (GRCh38, 1-based): chr1:100,110,358, G>A on the plus strand (C>T on the coding strand, the complement: SASS6 is on the minus strand). VCF-style: chr1-100110358-G-A. GRCh37 (hg19) VCF-style: chr1-100575914-G-A.
Other names: c.294C>T, p.Thr98= (NM_001304829.2).
Identifiers: ClinVar variation 3050217 (VCV003050217.2), dbSNP rs368784573, ClinGen allele CA968418.